The following is an entry in ClinVar:

NM_001161403.3(LIMS2):c.760G>A (p.Gly254Arg)

Gene: LIMS2 (LIM zinc finger domain containing 2; minus strand). Cytogenetic location: 2q14.3.
Variant type: single nucleotide variant.
Coding change: c.760G>A on transcript NM_001161403.3 (MANE Select); coding-DNA position 760, G replaced by A.
Protein change: p.Gly254Arg; replaces glycine 254 with arginine.
Molecular consequence: missense variant.
Genome position (GRCh38, 1-based): chr2:127,640,312, C>T on the plus strand (G>A on the coding strand, the complement: LIMS2 is on the minus strand). VCF-style: chr2-127640312-C-T. GRCh37 (hg19) VCF-style: chr2-128397887-C-T.
Other names: c.826G>A, p.Gly276Arg (NM_001136037.4); c.745G>A, p.Gly249Arg (NM_001161404.2); c.304G>A, p.Gly102Arg (NM_001161405.1, NM_001256542.2); c.832G>A, p.Gly278Arg (NM_017980.5); short protein forms G276R, G278R, G102R, G249R, G254R.
Identifiers: ClinVar variation 2866424 (VCV002866424.3), dbSNP rs184319967, ClinGen allele CA1862892.
Genomic context (GRCh38, chr2:127,640,312, plus strand): 5'-GGGAACACAGGGCCTCACCATCGCCTTCAATCACATGGCTGCAGTTGTAGCAGACGTCCC[C>T]GAAGAGCTGTGGGCCGAGCAGGCTGTCAGAGTAGCTGCAGGCAGTCACACCCCAGCCCAG-3'
Protein context (NP_001154875.1, residues 244-264): YCETHYNQLF[Gly254Arg]DVCYNCSHVI

ClinVar aggregate classification (germline): Uncertain significance (1 of 4 stars; one submission).

Conditions:
Autosomal recessive limb-girdle muscular dystrophy type 2W (MDRCMTT). Also called: Muscular dystrophy, limb-girdle, type 2W; Muscular dystrophy, autosomal recessive, with cardiomyopathy and triangular tongue. Identifiers: MedGen C4225192, MONDO:0014788, OMIM 616827.

Allele frequency attached by ClinVar (database versions not stated): 1000 Genomes Project 0.00020; 1000 Genomes Project 30x 0.00031.
gnomAD v4.1: 37 of 1,612,870 alleles (0.0023%); highest among the groups gnomAD compares: East Asian, 0.0067%; no homozygotes.

Submission:

Labcorp Genetics (formerly Invitae), Labcorp
Classification: Uncertain significance for Autosomal recessive limb-girdle muscular dystrophy type 2W. Last evaluated: 2023-07-12. Review status: criteria provided, single submitter. Criteria: Invitae Variant Classification Sherloc (09022015). Collection method: clinical testing. Allele origin: germline.
Comment: In summary, the available evidence is currently insufficient to determine the role of this variant in disease. Therefore, it has been classified as a Variant of Uncertain Significance. Advanced modeling of protein sequence and biophysical properties (such as structural, functional, and spatial information, amino acid conservation, physicochemical variation, residue mobility, and thermodynamic stability) performed at Invitae indicates that this missense variant is expected to disrupt LIMS2 protein function. This variant has not been reported in the literature in individuals affected with LIMS2-related conditions. This variant is present in population databases (rs184319967, gnomAD 0.01%). This sequence change replaces glycine, which is neutral and non-polar, with arginine, which is basic and polar, at codon 276 of the LIMS2 protein (p.Gly276Arg).